The following is an entry in ClinVar:

ClinVar aggregate classification (germline): Uncertain significance (1 of 4 stars; one submission).

Conditions:
Cardiovascular phenotype. Identifiers: MedGen CN230736.

Submission:

Ambry Genetics
Classification: Uncertain significance for Cardiovascular phenotype. Last evaluated: 2025-07-09. Review status: criteria provided, single submitter. Criteria: Ambry Variant Classification Scheme 2023. Collection method: clinical testing. Allele origin: germline.
Comment: The p.P544A variant (also known as c.1630C>G), located in coding exon 11 of the CBL gene, results from a C to G substitution at nucleotide position 1630. The proline at codon 544 is replaced by alanine, an amino acid with highly similar properties. This amino acid position is conserved. In addition, the in silico prediction for this alteration is inconclusive. Based on the available evidence, the clinical significance of this variant remains unclear.

NM_005188.4(CBL):c.1630C>G (p.Pro544Ala)

Gene: CBL (Cbl proto-oncogene; plus strand). Cytogenetic location: 11q23.3.
Variant type: single nucleotide variant.
Coding change: c.1630C>G on transcript NM_005188.4 (MANE Select); coding-DNA position 1630, C replaced by G.
Protein change: p.Pro544Ala; replaces proline 544 with alanine.
Molecular consequence: missense variant.
Genome position (GRCh38, 1-based): chr11:119,285,255, C>G. VCF-style: chr11-119285255-C-G. GRCh37 (hg19) VCF-style: chr11-119155965-C-G.
Other names: short protein forms P544A.
Identifiers: ClinVar variation 4219857 (VCV004219857.1).